The following is an entry in ClinVar:

ClinVar aggregate classification (germline): Uncertain significance. Review status: criteria provided, multiple submitters, no conflicts (2 of 4 stars). 2 submissions from 2 submitters: Uncertain significance (2). Last evaluated 2021-08-16.

Conditions:
Severe combined immunodeficiency due to DNA-PKcs deficiency. Also called: IMMUNODEFICIENCY 26 WITH NEUROLOGIC ABNORMALITIES; Immunodeficiency 26 with or without neurologic abnormalities. Identifiers: Orphanet 317425, MedGen C4014833, MONDO:0014423, OMIM 615966.

Allele frequency attached by ClinVar (database versions not stated): gnomAD 0.00001; gnomAD exomes 0.00001; TOPMed 0.00001; ExAC 0.00002; ESP Exome Variant Server 0.00017.
gnomAD v4.1: 8 of 1,613,548 alleles (0.0005%); highest among the groups gnomAD compares: Admixed American, 0.0033%; no homozygotes.

Submissions (2):

Labcorp Genetics (formerly Invitae), Labcorp
Classification: Uncertain significance for Severe combined immunodeficiency due to DNA-PKcs deficiency. Last evaluated: 2021-08-16. Review status: criteria provided, single submitter. Criteria: Invitae Variant Classification Sherloc (09022015). Collection method: clinical testing. Allele origin: germline.
Comment: This sequence change replaces leucine with histidine at codon 230 of the PRKDC protein (p.Leu230His). The leucine residue is highly conserved and there is a moderate physicochemical difference between leucine and histidine. This variant is present in population databases (rs375371187, ExAC 0.003%). This variant has not been reported in the literature in individuals affected with PRKDC-related conditions. Experimental studies and prediction algorithms are not available or were not evaluated, and the functional significance of this variant is currently unknown. In summary, the available evidence is currently insufficient to determine the role of this variant in disease. Therefore, it has been classified as a Variant of Uncertain Significance.

Ambry Genetics
Classification: Uncertain significance. Last evaluated: 2021-06-23. Review status: criteria provided, single submitter. Criteria: Ambry Variant Classification Scheme 2023. Collection method: clinical testing. Allele origin: germline.
Comment: The p.L230H variant (also known as c.689T>A), located in coding exon 7 of the PRKDC gene, results from a T to A substitution at nucleotide position 689. The leucine at codon 230 is replaced by histidine, an amino acid with similar properties. This amino acid position is conserved. In addition, this alteration is predicted to be deleterious by in silico analysis. Since supporting evidence is limited at this time, the clinical significance of this alteration remains unclear.

NM_006904.7(PRKDC):c.689T>A (p.Leu230His)

Gene: PRKDC (protein kinase, DNA-activated, catalytic subunit; minus strand). Cytogenetic location: 8q11.21.
Variant type: single nucleotide variant.
Coding change: c.689T>A on transcript NM_006904.7 (MANE Select); coding-DNA position 689, T replaced by A.
Protein change: p.Leu230His; replaces leucine 230 with histidine.
Molecular consequence: missense variant.
Genome position (GRCh38, 1-based): chr8:47,953,652, A>T on the plus strand (T>A on the coding strand, the complement: PRKDC is on the minus strand). VCF-style: chr8-47953652-A-T. GRCh37 (hg19) VCF-style: chr8-48866212-A-T.
Other names: c.689T>A, p.Leu230His (NM_001081640.2); short protein forms L230H.
Identifiers: ClinVar variation 1352533 (VCV001352533.5), dbSNP rs375371187, ClinGen allele CA4741959.